The following is an entry in ClinVar:

ClinVar aggregate classification (germline): Uncertain significance (1 of 4 stars; one submission).

gnomAD v4.1: 5 of 1,577,766 alleles (0.00032%); highest among the groups gnomAD compares: Non-Finnish European, 0.00043%; no homozygotes.

Submission:

Labcorp Genetics (formerly Invitae), Labcorp
Classification: Uncertain significance. Last evaluated: 2025-11-25. Review status: criteria provided, single submitter. Criteria: Invitae Variant Classification Sherloc (09022015). Collection method: clinical testing. Allele origin: germline.
Comment: This sequence change replaces alanine, which is neutral and non-polar, with threonine, which is neutral and polar, at codon 856 of the ARHGEF1 protein (p.Ala856Thr). The frequency data for this variant in the population databases is considered unreliable, as metrics indicate poor data quality at this position in the gnomAD database. This variant has not been reported in the literature in individuals affected with ARHGEF1-related conditions. An algorithm developed to predict the effect of missense changes on protein structure and function outputs the following: PolyPhen-2: "Benign". The threonine amino acid residue is found in multiple mammalian species, which suggests that this missense change does not adversely affect protein function. In summary, the available evidence is currently insufficient to determine the role of this variant in disease. Therefore, it has been classified as a Variant of Uncertain Significance.

NM_004706.4(ARHGEF1):c.2521G>A (p.Ala841Thr)

Gene: ARHGEF1 (Rho guanine nucleotide exchange factor 1; plus strand). Cytogenetic location: 19q13.2.
Variant type: single nucleotide variant.
Coding change: c.2521G>A on transcript NM_004706.4 (MANE Select); coding-DNA position 2521, G replaced by A.
Protein change: p.Ala841Thr; replaces alanine 841 with threonine.
Molecular consequence: missense variant. On other transcripts: non-coding transcript variant (2), intron variant (4).
Genome position (GRCh38, 1-based): chr19:41,906,486, G>A. VCF-style: chr19-41906486-G-A. GRCh37 (hg19) VCF-style: chr19-42410638-G-A.
Other names: c.2689G>A, p.Ala897Thr (NM_001396000.1); c.2422G>A, p.Ala808Thr (NM_198977.2); c.2566G>A, p.Ala856Thr (NM_199002.2); c.2492-217G>A (NM_001396003.1, NM_001396006.1); c.2393-217G>A (NM_001396002.1, NM_001396004.1); short protein forms A808T, A841T, A856T, A897T.
Identifiers: ClinVar variation 4765435 (VCV004765435.1).